The following is an entry in ClinVar:

ClinVar aggregate classification (germline): Uncertain significance (0 of 4 stars; one submission).

Conditions:
MITF-related disorder. Also called: MITF-related condition.

Submission:

PreventionGenetics, part of Exact Sciences
Classification: Uncertain significance for MITF-related condition. Last evaluated: 2024-06-28. Review status: no assertion criteria provided. Collection method: clinical testing. Allele origin: germline.
Comment: The MITF c.267G>A variant is predicted to result in the amino acid substitution p.Met89Ile. To our knowledge, this variant has not been reported in the literature or in gnomAD, indicating this variant is rare. At this time, the clinical significance of this variant is uncertain due to the absence of conclusive functional and genetic evidence.

NM_001354604.2(MITF):c.582+308G>A

Gene: MITF (melanocyte inducing transcription factor; plus strand). Cytogenetic location: 3p13.
Variant type: single nucleotide variant.
Coding change: c.582+308G>A on transcript NM_001354604.2 (MANE Select); 308 bases into the intron after coding-DNA position 582, G replaced by A.
Molecular consequence: intron variant. On other transcripts: missense variant (1).
Genome position (GRCh38, 1-based): chr3:69,938,357, G>A. VCF-style: chr3-69938357-G-A. GRCh37 (hg19) VCF-style: chr3-69987508-G-A.
Other names: c.267G>A, p.Met89Ile (NM_001184968.2); c.531+308G>A (NM_001354607.2); c.426+308G>A (NM_001354608.2, NM_001184967.2); c.582+308G>A (NM_198159.3); c.579+308G>A (NM_001354605.2, NM_001354606.2, NM_006722.3); c.534+308G>A (NM_198177.3); c.261+308G>A (NM_000248.4, NM_198158.3); c.93+476G>A (NM_198178.3); short protein forms M89I.
Identifiers: ClinVar variation 3354751 (VCV003354751.1).
Genomic context (GRCh38, chr3:69,938,357, plus strand): 5'-GCCACTTGCTTCTTCTTCCTTAGCTGAGTGCTCTCTTCTCTTCCATGCCTTTCAGTTTAT[G>A]AAGCAGTGAGAATGCAGAGAGAGGAGAAGGGGAGGTGGAAAAGGAAAAGCAAAAATAGAA-3'